The following is an entry in ClinVar:

ClinVar aggregate classification (germline): Pathogenic/Likely pathogenic. Review status: criteria provided, multiple submitters, no conflicts (2 of 4 stars). 5 submissions from 5 submitters: Pathogenic (2); Likely pathogenic (3). Last evaluated 2024-11-01.

Conditions:
Age related macular degeneration 2. Also called: MACULOPATHY, AGE-RELATED; MACULAR DEGENERATION, SENILE; MACULOPATHY, AGE-RELATED, 2. Identifiers: MedGen C3495438, MONDO:0007932, OMIM 153800.
Cone-rod dystrophy 3 (CORD3). Identifiers: Orphanet 1872, MedGen C1858806, MONDO:0011395, OMIM 604116.
Severe early-childhood-onset retinal dystrophy (STGD1). Also called: STGD; Stargardt macular dystrophy; Juvenile onset macular degeneration; Stargardt disease 1; MACULAR DYSTROPHY WITH FLECKS, TYPE 1. Identifiers: Orphanet 364055, Orphanet 827, MedGen C1855465, MeSH D000080362, MONDO:0009549, OMIM 248200.
Retinitis pigmentosa 19 (RP19). Also called: ABCA4-Related Retinitis Pigmentosa. Identifiers: Orphanet 791, MedGen C1866422, MONDO:0011137, OMIM 601718.
ABCA4-related disorder. Also called: ABCA4-related condition; ABCA4-related disorders. Identifiers: MedGen CN239167.

Allele frequency attached by ClinVar (database versions not stated): TOPMed 0.00001.
gnomAD v4.1: 21 of 1,613,942 alleles (0.0013%); highest among the groups gnomAD compares: African/African-American, 0.0027%; no homozygotes.

Submissions (5):

PreventionGenetics, part of Exact Sciences
Classification: Likely pathogenic for ABCA4-related condition. Last evaluated: 2024-11-01. Review status: criteria provided, single submitter. Criteria: ACMG Guidelines, 2015. Collection method: clinical testing. Allele origin: germline.
Comment: The ABCA4 c.3386G>A variant is predicted to result in the amino acid substitution p.Arg1129His. This variant has been reported in individuals with Stargardt disease or ABCA4-related retinal disease (Table S1, Lin et al. 2024. PubMed ID: 38219857; Supplemental table 8, Khan et al. 2020. PubMed ID: 32307445). This variant is reported in 0.0062% of alleles in individuals of African descent in gnomAD. Alternative substitutions at the same amino acid position have been reported in individuals with ABCA4-related retinal disease (p.Arg1129Cys, p.Arg1129Leu, supplementary table 2, Fujinami et al. 2018. PubMed ID: 29925512). We interpret this variant as likely pathogenic.

Fulgent Genetics
Classification: Likely pathogenic for Age related macular degeneration 2; Severe early-childhood-onset retinal dystrophy; Retinitis pigmentosa 19; Cone-rod dystrophy 3. Last evaluated: 2024-05-16. Review status: criteria provided, single submitter. Criteria: ACMG Guidelines, 2015. Collection method: clinical testing. Allele origin: germline.

Labcorp Genetics (formerly Invitae), Labcorp
Classification: Pathogenic. Last evaluated: 2024-04-25. Review status: criteria provided, single submitter. Criteria: Invitae Variant Classification Sherloc (09022015). Collection method: clinical testing. Allele origin: germline.
Comment: This sequence change replaces arginine, which is basic and polar, with histidine, which is basic and polar, at codon 1129 of the ABCA4 protein (p.Arg1129His). This variant is present in population databases (no rsID available, gnomAD 0.007%). This missense change has been observed in individual(s) with clinical features of ABCA4-related conditions (PMID: 23953153, 23982839, 32307445). ClinVar contains an entry for this variant (Variation ID: 865964). Advanced modeling of protein sequence and biophysical properties (such as structural, functional, and spatial information, amino acid conservation, physicochemical variation, residue mobility, and thermodynamic stability) performed at Invitae indicates that this missense variant is expected to disrupt ABCA4 protein function with a positive predictive value of 95%. This variant disrupts the p.Arg1129 amino acid residue in ABCA4. Other variant(s) that disrupt this residue have been determined to be pathogenic (PMID: 19074458, 25097241, 25312043, 26092729, 29925512). This suggests that this residue is clinically significant, and that variants that disrupt this residue are likely to be disease-causing. For these reasons, this variant has been classified as Pathogenic.

CeGaT Center for Human Genetics Tuebingen
Classification: Likely pathogenic. Last evaluated: 2023-10-01. Review status: criteria provided, single submitter. Criteria: CeGaT Center For Human Genetics Tuebingen Variant Classification Criteria Version 2. Collection method: clinical testing. Allele origin: germline. Affected: yes. Observed: 1 variant allele.
Comment: ABCA4: PM1, PM2, PM3, PM5

Blueprint Genetics
Classification: Pathogenic for ABCA4-related disorders. Last evaluated: 2023-01-03. Review status: criteria provided, single submitter. Criteria: ACMG Guidelines, 2015. Collection method: clinical testing. Allele origin: germline. Affected: yes. Observed: 5 variant alleles.

Literature cited by the submitters: PubMed 23953153 (cited by Labcorp Genetics (formerly Invitae), Labcorp); PubMed 23982839 (cited by Labcorp Genetics (formerly Invitae), Labcorp); PubMed 32307445 (cited by Labcorp Genetics (formerly Invitae), Labcorp); PubMed 19074458 (cited by Labcorp Genetics (formerly Invitae), Labcorp); PubMed 25097241 (cited by Labcorp Genetics (formerly Invitae), Labcorp); PubMed 25312043 (cited by Labcorp Genetics (formerly Invitae), Labcorp); PubMed 26092729 (cited by Labcorp Genetics (formerly Invitae), Labcorp); PubMed 29925512 (cited by Labcorp Genetics (formerly Invitae), Labcorp).

NM_000350.3(ABCA4):c.3386G>A (p.Arg1129His)

Gene: ABCA4 (ATP binding cassette subfamily A member 4; minus strand). Cytogenetic location: 1p22.1.
Variant type: single nucleotide variant.
Coding change: c.3386G>A on transcript NM_000350.3 (MANE Select); coding-DNA position 3386, G replaced by A.
Protein change: p.Arg1129His; replaces arginine 1129 with histidine.
Molecular consequence: missense variant.
Genome position (GRCh38, 1-based): chr1:94,041,345, C>T on the plus strand (G>A on the coding strand, the complement: ABCA4 is on the minus strand). VCF-style: chr1-94041345-C-T. GRCh37 (hg19) VCF-style: chr1-94506901-C-T.
Other names: c.3164G>A, p.Arg1055His (NM_001425324.1); short protein forms R1129H, R1055H.
Identifiers: ClinVar variation 865964 (VCV000865964.31), dbSNP rs1801269, ClinGen allele CA341291094.